The following is an entry in ClinVar:

NM_001200.4(BMP2):c.326_327del (p.Val109fs)

Gene: BMP2 (bone morphogenetic protein 2; plus strand). Cytogenetic location: 20p12.3.
Variant type: Microsatellite.
Coding change: c.326_327del on transcript NM_001200.4 (MANE Select); coding-DNA positions 326 to 327, 2 bases deleted (TG; older notation c.326_327delTG).
Protein change: p.Val109fs; shifts the reading frame from valine 109.
Molecular consequence: frameshift variant.
Genome position (GRCh38, 1-based): chr20:6,770,452-6,770,453, TG deleted; deleting any 2 consecutive bases within chr20:6,770,450-6,770,453 gives the same sequence; the c. name uses the placement nearest the transcript's 3' end. VCF-style (leftmost placement, unchanged base first): chr20-6770449-CTG-C. GRCh37 (hg19) VCF-style: chr20-6751096-CTG-C.
Other names: short protein forms V109fs.
Identifiers: ClinVar variation 4083375 (VCV004083375.1).
Genomic context (GRCh38, chr20:6,770,449, plus strand): 5'-GTCAGCCGGGCTCACCCGCCCCAGACCACCGGTTGGAGAGGGCAGCCAGCCGAGCCAACA[CTG>C]TGCGCAGCTTCCACCATGAAGGTGAGGCATGGAGCAGGGCGTGGGGGCGGGGAGTCACCC-3'

ClinVar aggregate classification (germline): Likely pathogenic (1 of 4 stars; one submission).

Submission:

GeneDx
Classification: Likely pathogenic. Last evaluated: 2025-03-12. Review status: criteria provided, single submitter. Criteria: GeneDx Variant Classification Process June 2021. Collection method: clinical testing. Allele origin: germline. Affected: yes.
Comment: Frameshift variant predicted to result in abnormal protein length as the last 288 amino acids are replaced with 5 different amino acids, and other similar variants have been reported in HGMD; Not observed at significant frequency in large population cohorts (gnomAD); Has not been previously published as pathogenic or benign to our knowledge